The following is an entry in ClinVar:

ClinVar aggregate classification (germline): Uncertain significance (1 of 4 stars; one submission).

gnomAD v4.1: 4 of 1,613,958 alleles (0.00025%); highest among the groups gnomAD compares: East Asian, 0.0022%; no homozygotes.

Submission:

GeneDx
Classification: Uncertain significance. Last evaluated: 2024-08-08. Review status: criteria provided, single submitter. Criteria: GeneDx Variant Classification Process June 2021. Collection method: clinical testing. Allele origin: germline. Affected: yes.
Comment: Not observed at significant frequency in large population cohorts (gnomAD); In silico analysis supports that this missense variant has a deleterious effect on protein structure/function; Has not been previously published as pathogenic or benign to our knowledge

NM_014415.4(ZBTB11):c.1945C>T (p.Arg649Trp)

Gene: ZBTB11 (zinc finger and BTB domain containing 11; minus strand). Cytogenetic location: 3q12.3.
Variant type: single nucleotide variant.
Coding change: c.1945C>T on transcript NM_014415.4 (MANE Select); coding-DNA position 1945, C replaced by T.
Protein change: p.Arg649Trp; replaces arginine 649 with tryptophan.
Molecular consequence: missense variant.
Genome position (GRCh38, 1-based): chr3:101,659,884, G>A on the plus strand (C>T on the coding strand, the complement: ZBTB11 is on the minus strand). VCF-style: chr3-101659884-G-A. GRCh37 (hg19) VCF-style: chr3-101378728-G-A.
Other names: short protein forms R649W.
Identifiers: ClinVar variation 3731035 (VCV003731035.1).